The following is an entry in ClinVar:

NM_003172.4(SURF1):c.758C>G (p.Thr253Arg)

Gene: SURF1 (SURF1 cytochrome c oxidase assembly factor; minus strand). Cytogenetic location: 9q34.2.
Variant type: single nucleotide variant.
Coding change: c.758C>G on transcript NM_003172.4 (MANE Select); coding-DNA position 758, C replaced by G.
Protein change: p.Thr253Arg; replaces threonine 253 with arginine.
Molecular consequence: missense variant.
Genome position (GRCh38, 1-based): chr9:133,352,136, G>C on the plus strand (C>G on the coding strand, the complement: SURF1 is on the minus strand). VCF-style: chr9-133352136-G-C. GRCh37 (hg19) VCF-style: chr9-136218991-G-C.
Other names: c.431C>G, p.Thr144Arg (NM_001280787.1); short protein forms T144R, T253R.
Identifiers: ClinVar variation 2055736 (VCV002055736.1), dbSNP rs782022661, ClinGen allele CA200832109.

ClinVar aggregate classification (germline): Uncertain significance (1 of 4 stars; one submission).

Conditions:
Leigh syndrome (NULS). Also called: Leigh Syndrome (mtDNA deletion); Leigh's necrotizing encephalopathy; Leigh's disease; Leigh's syndrome; LEIGH SYNDROME, NUCLEAR; Leigh Disease. Identifiers: Orphanet 506, MedGen C2931891, MONDO:0009723, OMIM 256000.

gnomAD v4.1: 2 of 1,598,218 alleles (0.00013%); highest among the groups gnomAD compares: South Asian, 0.0011%; no homozygotes.

Submission:

Labcorp Genetics (formerly Invitae), Labcorp
Classification: Uncertain significance for Leigh syndrome. Last evaluated: 2022-05-28. Review status: criteria provided, single submitter. Criteria: Invitae Variant Classification Sherloc (09022015). Collection method: clinical testing. Allele origin: germline.
Comment: This sequence change replaces threonine, which is neutral and polar, with arginine, which is basic and polar, at codon 253 of the SURF1 protein (p.Thr253Arg). The frequency data for this variant in the population databases is considered unreliable, as metrics indicate poor data quality at this position in the gnomAD database. This variant has not been reported in the literature in individuals affected with SURF1-related conditions. Algorithms developed to predict the effect of missense changes on protein structure and function are either unavailable or do not agree on the potential impact of this missense change (SIFT: "Deleterious"; PolyPhen-2: "Benign"; Align-GVGD: "Class C0"). In summary, the available evidence is currently insufficient to determine the role of this variant in disease. Therefore, it has been classified as a Variant of Uncertain Significance.